The following is an entry in ClinVar:

NM_020750.3(XPO5):c.2985T>A (p.Asp995Glu)

Genes: POLR1C (RNA polymerase I and III subunit C; plus strand), XPO5 (exportin 5; minus strand). Cytogenetic location: 6p21.1.
Variant type: single nucleotide variant.
Coding change: c.2985T>A on transcript NM_020750.3 (MANE Select); coding-DNA position 2985, T replaced by A.
Protein change: p.Asp995Glu; replaces aspartic acid 995 with glutamic acid.
Molecular consequence: missense variant. On other transcripts: non-coding transcript variant (1), intron variant (2).
Genome position (GRCh38, 1-based): chr6:43,525,920, A>T on the plus strand (T>A on the coding strand, the complement: XPO5 is on the minus strand). VCF-style: chr6-43525920-A-T. GRCh37 (hg19) VCF-style: chr6-43493658-A-T.
Other names: c.922+4872A>T (NM_001363658.2); c.923-3329A>T (NM_001318876.2); short protein forms D995E.
Identifiers: ClinVar variation 1425436 (VCV001425436.7), dbSNP rs1176263461, ClinGen allele CA364289239.
Genomic context (GRCh38, chr6:43,525,920, plus strand): 5'-GCCCAGGTCTGTAAGCTCTGCCATAGCTGAGGGGGTGACCTCTGTGGCCATCATTTCTTC[A>T]TCTGTTATCAGAGAGTAGAATGTTAAGCTCCATCCTTTCAGAACAGAGAAGAATATCTTG-3'
Protein context (NP_065801.1, residues 985-1005): HSSAPPADGD[Asp995Glu]EEMMATEVTP

ClinVar aggregate classification (germline): Uncertain significance (1 of 4 stars; one submission).

Allele frequency attached by ClinVar (database versions not stated): gnomAD exomes below 0.00001.
gnomAD v4.1: 5 of 1,613,884 alleles (0.00031%); highest among the groups gnomAD compares: South Asian, 0.0033%; no homozygotes.

Submission:

Labcorp Genetics (formerly Invitae), Labcorp
Classification: Uncertain significance. Last evaluated: 2025-04-21. Review status: criteria provided, single submitter. Criteria: Invitae Variant Classification Sherloc (09022015). Collection method: clinical testing. Allele origin: germline.
Comment: This sequence change replaces aspartic acid, which is acidic and polar, with glutamic acid, which is acidic and polar, at codon 995 of the XPO5 protein (p.Asp995Glu). This variant is present in population databases (no rsID available, gnomAD 0.003%). This variant has not been reported in the literature in individuals affected with XPO5-related conditions. ClinVar contains an entry for this variant (Variation ID: 1425436). An algorithm developed to predict the effect of missense changes on protein structure and function (PolyPhen-2) suggests that this variant is likely to be tolerated. Algorithms developed to predict the effect of sequence changes on RNA splicing suggest that this variant may disrupt the consensus splice site. In summary, the available evidence is currently insufficient to determine the role of this variant in disease. Therefore, it has been classified as a Variant of Uncertain Significance.